The following is an entry in ClinVar:

ClinVar aggregate classification (germline): Uncertain significance (1 of 4 stars; one submission).

Allele frequency attached by ClinVar (database versions not stated): gnomAD exomes below 0.00001; TOPMed 0.00001.
gnomAD v4.1: 1 of 1,614,140 alleles (0.000062%); highest among the groups gnomAD compares: Non-Finnish European, 0.000085%; no homozygotes.

Submission:

Labcorp Genetics (formerly Invitae), Labcorp
Classification: Uncertain significance. Last evaluated: 2022-08-12. Review status: criteria provided, single submitter. Criteria: Invitae Variant Classification Sherloc (09022015). Collection method: clinical testing. Allele origin: germline.
Comment: This variant has not been reported in the literature in individuals affected with ADAMTS18-related conditions. This variant is not present in population databases (gnomAD no frequency). This sequence change replaces glutamic acid, which is acidic and polar, with glycine, which is neutral and non-polar, at codon 811 of the ADAMTS18 protein (p.Glu811Gly). Algorithms developed to predict the effect of missense changes on protein structure and function are either unavailable or do not agree on the potential impact of this missense change (SIFT: "Not Available"; PolyPhen-2: "Benign"; Align-GVGD: "Not Available"). In summary, the available evidence is currently insufficient to determine the role of this variant in disease. Therefore, it has been classified as a Variant of Uncertain Significance.

NM_199355.4(ADAMTS18):c.2432A>G (p.Glu811Gly)

Gene: ADAMTS18 (ADAM metallopeptidase with thrombospondin type 1 motif 18; minus strand). Cytogenetic location: 16q23.1.
Variant type: single nucleotide variant.
Coding change: c.2432A>G on transcript NM_199355.4 (MANE Select); coding-DNA position 2432, A replaced by G.
Protein change: p.Glu811Gly; replaces glutamic acid 811 with glycine.
Molecular consequence: missense variant.
Genome position (GRCh38, 1-based): chr16:77,319,949, T>C on the plus strand (A>G on the coding strand, the complement: ADAMTS18 is on the minus strand). VCF-style: chr16-77319949-T-C. GRCh37 (hg19) VCF-style: chr16-77353846-T-C.
Other names: c.1916A>G, p.Glu639Gly (NM_001326358.2); short protein forms E811G, E639G.
Identifiers: ClinVar variation 1951298 (VCV001951298.5), dbSNP rs2055961626, ClinGen allele CA396827543.